The following is an entry in ClinVar:

NM_017636.4(TRPM4):c.121C>T (p.Arg41Trp)

Gene: TRPM4 (transient receptor potential cation channel subfamily M member 4; plus strand). Cytogenetic location: 19q13.33.
Variant type: single nucleotide variant.
Coding change: c.121C>T on transcript NM_017636.4 (MANE Select); coding-DNA position 121, C replaced by T.
Protein change: p.Arg41Trp; replaces arginine 41 with tryptophan.
Molecular consequence: missense variant. On other transcripts: 5 prime UTR variant (1), intron variant (2).
Genome position (GRCh38, 1-based): chr19:49,166,069, C>T. VCF-style: chr19-49166069-C-T. GRCh37 (hg19) VCF-style: chr19-49669326-C-T.
Other names: c.121C>T, p.Arg41Trp (NM_001195227.2, NM_001321281.2); c.-1252C>T (NM_001321282.2); c.-74-2191C>T (NM_001321283.2); c.-237-2484C>T (NM_001321285.2); short protein forms R41W.
Identifiers: ClinVar variation 1516589 (VCV001516589.8), dbSNP rs1028746202, ClinGen allele CA309429461.

ClinVar aggregate classification (germline): Uncertain significance. Review status: criteria provided, multiple submitters, no conflicts (2 of 4 stars). 2 submissions from 2 submitters: Uncertain significance (2). Last evaluated 2024-10-05.

Conditions:
Cardiovascular phenotype. Identifiers: MedGen CN230736.
Progressive familial heart block type IB (PFHB1B). Identifiers: Orphanet 871, MedGen C1970298, MONDO:0011474, OMIM 604559.

Allele frequency attached by ClinVar (database versions not stated): gnomAD exomes 0.00001; TOPMed 0.00001; gnomAD 0.00003.
gnomAD v4.1: 17 of 1,600,100 alleles (0.0011%); highest among the groups gnomAD compares: Non-Finnish European, 0.0014%; no homozygotes.

Submissions (2):

Labcorp Genetics (formerly Invitae), Labcorp
Classification: Uncertain significance for Progressive familial heart block type IB. Last evaluated: 2024-10-05. Review status: criteria provided, single submitter. Criteria: Invitae Variant Classification Sherloc (09022015). Collection method: clinical testing. Allele origin: germline.
Comment: This sequence change replaces arginine, which is basic and polar, with tryptophan, which is neutral and slightly polar, at codon 41 of the TRPM4 protein (p.Arg41Trp). The frequency data for this variant in the population databases is considered unreliable, as metrics indicate poor data quality at this position in the gnomAD database. This variant has not been reported in the literature in individuals affected with TRPM4-related conditions. ClinVar contains an entry for this variant (Variation ID: 1516589). An algorithm developed to predict the effect of missense changes on protein structure and function (PolyPhen-2) suggests that this variant¬†is likely to be tolerated. In summary, the available evidence is currently insufficient to determine the role of this variant in disease. Therefore, it has been classified as a Variant of Uncertain Significance.

Ambry Genetics
Classification: Uncertain significance for Cardiovascular phenotype. Last evaluated: 2024-06-09. Review status: criteria provided, single submitter. Criteria: Ambry Variant Classification Scheme 2023. Collection method: clinical testing. Allele origin: germline.
Comment: The p.R41W variant (also known as c.121C>T), located in coding exon 3 of the TRPM4 gene, results from a C to T substitution at nucleotide position 121. The arginine at codon 41 is replaced by tryptophan, an amino acid with dissimilar properties. This amino acid position is conserved. In addition, this alteration is predicted to be tolerated by in silico analysis. Since supporting evidence is limited at this time, the clinical significance of this alteration remains unclear.